The following is an entry in ClinVar:

NM_001282116.2(RFX3):c.1829G>A (p.Arg610Gln)

Gene: RFX3 (regulatory factor X3; minus strand). Cytogenetic location: 9p24.2.
Variant type: single nucleotide variant.
Coding change: c.1829G>A on transcript NM_001282116.2 (MANE Select); coding-DNA position 1829, G replaced by A.
Protein change: p.Arg610Gln; replaces arginine 610 with glutamine.
Molecular consequence: missense variant.
Genome position (GRCh38, 1-based): chr9:3,248,171, C>T on the plus strand (G>A on the coding strand, the complement: RFX3 is on the minus strand). VCF-style: chr9-3248171-C-T. GRCh37 (hg19) VCF-style: chr9-3248171-C-T.
Other names: c.1829G>A, p.Arg610Gln (NM_001377999.1, NM_002919.4, NM_134428.3); short protein forms R610Q.
Identifiers: ClinVar variation 4991937 (VCV004991937.1).
Genomic context (GRCh38, chr9:3,248,171, plus strand): 5'-TAGAGTAGACGGATCAGGTGGAAGGAGCCAAAGCTAGCAGCACTGCGTAAGGTTAAGTCC[C>T]GAATAACCATTGAGCTGTTCCAAGAGAAAAGACAAATATGCAGCTAACATTAGTGACAAG-3'
Protein context (NP_001269045.1, residues 600-620): KWSFYSSMVI[Arg610Gln]DLTLRSAASF

ClinVar aggregate classification (germline): Uncertain significance (1 of 4 stars; one submission).

Conditions:
RFX3-related disorder. Also called: RFX3-related condition.

Submission:

PreventionGenetics, part of Exact Sciences
Classification: Uncertain significance for RFX3-related condition. Last evaluated: 2025-10-27. Review status: criteria provided, single submitter. Criteria: ACMG Guidelines, 2015. Collection method: clinical testing. Allele origin: germline.
Comment: The RFX3 c.1829G>A variant is predicted to result in the amino acid substitution p.Arg610Gln. To our knowledge, this variant has not been reported in the literature. This variant is reported in 0.0% of alleles in individuals of African descent in gnomAD. At this time, the clinical significance of this variant is uncertain due to the absence of conclusive functional and genetic evidence.